The following is an entry in ClinVar:

ClinVar aggregate classification (germline): Uncertain significance (1 of 4 stars; one submission).

Conditions:
Pulmonary arterial hypertension associated with congenital heart disease. Identifiers: Orphanet 275803, MedGen C3697119, MONDO:0017152.

Submission:

Wendy Chung Laboratory, Boston Children's Hospital
Classification: Uncertain significance for Pulmonary arterial hypertension associated with congenital heart disease. Last evaluated: 2018-06-27. Review status: criteria provided, single submitter. Criteria: ACMG Guidelines, 2015. Collection method: case-control. Allele origin: unknown. Affected: yes. Observed: 1 variant allele.
Comment: No paternal sample was available and thus, we are uncertain whether the origin of the allele is paternal or de novo.

Literature cited by the submitters: PubMed 30029678.

NM_001321120.2(TBX4):c.1077del (p.Ser360fs)

Gene: TBX4 (T-box transcription factor 4; plus strand). Cytogenetic location: 17q23.2.
Variant type: Deletion.
Coding change: c.1077del on transcript NM_001321120.2 (MANE Select); coding-DNA position 1077, one base deleted (C; older notation c.1077delC).
Protein change: p.Ser360fs; shifts the reading frame from serine 360.
Molecular consequence: frameshift variant.
Genome position (GRCh38, 1-based): chr17:61,482,952, C deleted; the last of 5 consecutive C bases (chr17:61,482,948-61,482,952); deleting any one gives the same sequence. VCF-style (leftmost placement, unchanged base first): chr17-61482947-GC-G. GRCh37 (hg19) VCF-style: chr17-59560308-GC-G.
Other names: c.1074del, p.Ser359fs (NM_018488.3); c.1074delC (NM_018488.3); c.1077del, p.Ser360fs (LRG_1206t1); short protein forms S359fs, S360fs.
Identifiers: ClinVar variation 548693 (VCV000548693.2), dbSNP rs1555883805, ClinGen allele CA658824652.